The following is an entry in ClinVar:

NM_001105247.2(ARMC5):c.1084C>T (p.Arg362Trp)

Gene: ARMC5 (armadillo repeat containing 5; plus strand). Cytogenetic location: 16p11.2.
Variant type: single nucleotide variant.
Coding change: c.1084C>T on transcript NM_001105247.2 (MANE Select); coding-DNA position 1084, C replaced by T.
Protein change: p.Arg362Trp; replaces arginine 362 with tryptophan.
Molecular consequence: missense variant.
Genome position (GRCh38, 1-based): chr16:31,462,631, C>T. VCF-style: chr16-31462631-C-T. GRCh37 (hg19) VCF-style: chr16-31473952-C-T.
Other names: c.1369C>T, p.Arg457Trp (NM_001288767.2); c.1180C>T, p.Arg394Trp (NM_001301820.1); c.1084C>T, p.Arg362Trp (NM_024742.2); c.1084C>T (NM_001105247.1); short protein forms R457W, R362W, R394W.
Identifiers: ClinVar variation 633679 (VCV000633679.3), dbSNP rs1385397608, ClinGen allele CA395733435.
Genomic context (GRCh38, chr16:31,462,631, plus strand): 5'-CCAACCTCCCAGCAGCCCCTGGTGCGGGCTGTGTGCCTCCTATGTCGTGAGGCCATCAAC[C>T]GGGCCCGACTGCGGGATGCTGGTGGCTTGGATCTACTGATGGGCCTGCTGCGGGACCCTC-3'
Protein context (NP_001098717.1, residues 352-372): VCLLCREAIN[Arg362Trp]ARLRDAGGLD

ClinVar aggregate classification (germline): Conflicting classifications of pathogenicity. Review status: criteria provided, conflicting classifications (1 of 4 stars). 3 submissions from 3 submitters: Pathogenic (1); Uncertain significance (1). 1 of the submissions does not count toward it. Last evaluated 2025-07-01.

Conditions:
ACTH-independent macronodular adrenal hyperplasia 2. Also called: PRIMARY MACRONODULAR ADRENAL HYPERPLASIA. Identifiers: Orphanet 189427, MedGen C4014803, MONDO:0014416, OMIM 615954.

Allele frequency attached by ClinVar (database versions not stated): TOPMed below 0.00001; gnomAD 0.00001; gnomAD exomes 0.00001.

Submissions (3):

GeneDx
Classification: Uncertain significance. Last evaluated: 2025-07-01. Review status: criteria provided, single submitter. Criteria: GeneDx Variant Classification Process June 2021. Collection method: clinical testing. Allele origin: germline. Affected: yes.
Comment: In silico analysis supports that this missense variant has a deleterious effect on protein structure/function; This variant is associated with the following publications: (PMID: 39910635, 30476936, 27094308, 32348959, 33305158, 32117062, 25279498, 33971873, 32864505, 32478669)

Payam Genetics Center, General Welfare Department of North Khorasan Province
Classification: Pathogenic for ACTH-independent macronodular adrenal hyperplasia 2. Last evaluated: 2019-11-01. Review status: criteria provided, single submitter. Criteria: ACMG Guidelines, 2015. Collection method: clinical testing. Allele origin: germline. Affected: no. Observed: 4 variant alleles.

Gharavi Laboratory, Columbia University
Classification: Uncertain significance. Last evaluated: 2018-09-16. Review status: no assertion criteria provided. Criteria: ACMG Guidelines, 2015. Collection method: research. Allele origin: germline. Affected: no. Not counted in ClinVar's aggregate classification.